The following is an entry in ClinVar:

NM_000487.6(ARSA):c.487del (p.Cys163fs)

Gene: ARSA (arylsulfatase A; minus strand). Cytogenetic location: 22q13.33.
Variant type: Deletion.
Coding change: c.487del on transcript NM_000487.6 (MANE Select); coding-DNA position 487, one base deleted (T; older notation c.487delT).
Protein change: p.Cys163fs; shifts the reading frame from cysteine 163.
Molecular consequence: frameshift variant.
Genome position (GRCh38, 1-based): chr22:50,627,031, A deleted on the plus strand (T on the coding strand, the reverse complement: ARSA is on the minus strand). VCF-style (leftmost placement, unchanged base first): chr22-50627030-CA-C. GRCh37 (hg19) VCF-style: chr22-51065458-CA-C.
Other names: c.487del, p.Cys163fs (NM_001085425.3, NM_001085426.3, NM_001085427.3); c.229del, p.Cys77fs (NM_001085428.3, NM_001362782.2); short protein forms C163fs, C77fs.
Identifiers: ClinVar variation 5011415 (VCV005011415.1).

ClinVar aggregate classification (germline): Pathogenic (1 of 4 stars; one submission).

Conditions:
Metachromatic leukodystrophy (MLD). Also called: ARSA DEFICIENCY; CEREBROSIDE SULFATASE DEFICIENCY; METACHROMATIC LEUKOENCEPHALOPATHY; SULFATIDE LIPIDOSIS; Cerebral sclerosis diffuse metachromatic form; Arylsulfatase A Deficiency. Identifiers: Orphanet 512, MedGen C0023522, MONDO:0018868, OMIM 250100.

Submission:

Myriad Genetics, Inc.
Classification: Pathogenic for Metachromatic leukodystrophy. Last evaluated: 2023-08-21. Review status: criteria provided, single submitter. Criteria: Myriad Autosomal Dominant, Autosomal Recessive and X-Linked Classification Criteria (2023). Collection method: clinical testing. Allele origin: unknown.
Comment: NM_000487.5(ARSA):c.487delT(C163Afs*37) is expected to be pathogenic in the context of metachromatic leukodystrophy. This variant is predicted to lead to an abnormal or absent protein product due to the creation of a premature termination codon in ARSA, a gene where loss-of-function variants are known to be pathogenic. Please note: this variant was assessed in the context of healthy population screening.